The following is an entry in ClinVar:

NM_025179.4(PLXNA2):c.2097+5G>C

Gene: PLXNA2 (plexin A2; minus strand). Cytogenetic location: 1q32.2.
Variant type: single nucleotide variant.
Coding change: c.2097+5G>C on transcript NM_025179.4 (MANE Select); 5 bases into the intron after coding-DNA position 2097, G replaced by C.
Molecular consequence: intron variant.
Genome position (GRCh38, 1-based): chr1:208,092,781, C>G on the plus strand (G>C on the coding strand, the complement: PLXNA2 is on the minus strand). VCF-style: chr1-208092781-C-G. GRCh37 (hg19) VCF-style: chr1-208266126-C-G.
Identifiers: ClinVar variation 4982613 (VCV004982613.1).

ClinVar aggregate classification (germline): Likely benign (1 of 4 stars; one submission).

Conditions:
PLXNA2-related disorder. Also called: PLXNA2-related condition.

Submission:

PreventionGenetics, part of Exact Sciences
Classification: Likely benign for PLXNA2-related condition. Last evaluated: 2026-08-18. Review status: criteria provided, single submitter. Criteria: ACMG Guidelines, 2015. Collection method: clinical testing. Allele origin: germline.
Comment: This variant is classified as likely benign based on ACMG/AMP sequence variant interpretation guidelines (Richards et al. 2015 PMID: 25741868, with internal and published modifications).